The following is an entry in ClinVar:

ClinVar aggregate classification (germline): Uncertain significance (1 of 4 stars; one submission).

Submission:

Labcorp Genetics (formerly Invitae), Labcorp
Classification: Uncertain significance. Last evaluated: 2026-02-01. Review status: criteria provided, single submitter. Criteria: Invitae Variant Classification Sherloc (09022015). Collection method: clinical testing. Allele origin: germline.
Comment: This sequence change replaces arginine, which is basic and polar, with cysteine, which is neutral and slightly polar, at codon 688 of the ITGAM protein (p.Arg688Cys). This variant is present in population databases (rs745856396, gnomAD 0.004%). This variant has not been reported in the literature in individuals affected with ITGAM-related conditions. An algorithm developed to predict the effect of missense changes on protein structure and function (PolyPhen-2) suggests that this variant is likely to be disruptive. In summary, the available evidence is currently insufficient to determine the role of this variant in disease. Therefore, it has been classified as a Variant of Uncertain Significance.

NM_000632.4(ITGAM):c.2062C>T (p.Arg688Cys)

Gene: ITGAM (integrin subunit alpha M; plus strand). Cytogenetic location: 16p11.2.
Variant type: single nucleotide variant.
Coding change: c.2062C>T on transcript NM_000632.4 (MANE Select); coding-DNA position 2062, C replaced by T.
Protein change: p.Arg688Cys; replaces arginine 688 with cysteine.
Molecular consequence: missense variant.
Genome position (GRCh38, 1-based): chr16:31,324,458, C>T. VCF-style: chr16-31324458-C-T. GRCh37 (hg19) VCF-style: chr16-31335779-C-T.
Other names: c.2065C>T, p.Arg689Cys (NM_001145808.2); short protein forms R689C, R688C.
Identifiers: ClinVar variation 4696622 (VCV004696622.1).
Genomic context (GRCh38, chr16:31,324,458, plus strand): 5'-GGACAGATCCAGAGTGTTGTGACTTATGACCTGGCTCTGGACTCCGGCCGCCCACATTCC[C>T]GCGCCGTCTTCAATGAGACAAAGAACAGCACACGCAGACAGACACAGGTCTTGGGGCTGA-3'
Protein context (NP_000623.2, residues 678-698): LALDSGRPHS[Arg688Cys]AVFNETKNST